The following is an entry in ClinVar:

ClinVar aggregate classification (germline): Uncertain significance (1 of 4 stars; one submission).

Conditions:
Neurofibromatosis, type 1 (NF1). Also called: VON RECKLINGHAUSEN DISEASE; NEUROFIBROMATOSIS, TYPE I, SOMATIC; Peripheral type neurofibromatosis; Neurofibromatosis, type I. Identifiers: Orphanet 636, MedGen C0027831, MONDO:0018975, OMIM 162200. Disease mechanism: loss of function.

Submission:

Labcorp Genetics (formerly Invitae), Labcorp
Classification: Uncertain significance for Neurofibromatosis, type 1. Last evaluated: 2026-01-05. Review status: criteria provided, single submitter. Criteria: Invitae Variant Classification Sherloc (09022015). Collection method: clinical testing. Allele origin: germline.
Comment: This sequence change replaces histidine, which is basic and polar, with tyrosine, which is neutral and polar, at codon 1900 of the NF1 protein (p.His1900Tyr). This variant is not present in population databases (gnomAD no frequency). This variant has not been reported in the literature in individuals affected with NF1-related conditions. ClinVar contains an entry for this variant (Variation ID: 3719909). Invitae Evidence Modeling of protein sequence and biophysical properties (such as structural, functional, and spatial information, amino acid conservation, physicochemical variation, residue mobility, and thermodynamic stability) indicates that this missense variant is expected to disrupt NF1 protein function with a positive predictive value of 95%. In summary, the available evidence is currently insufficient to determine the role of this variant in disease. Therefore, it has been classified as a Variant of Uncertain Significance.

NM_001042492.3(NF1):c.5761C>T (p.His1921Tyr)

Gene: NF1 (neurofibromin 1; plus strand). Cytogenetic location: 17q11.2.
Variant type: single nucleotide variant.
Coding change: c.5761C>T on transcript NM_001042492.3 (MANE Select); coding-DNA position 5761, C replaced by T.
Protein change: p.His1921Tyr; replaces histidine 1921 with tyrosine.
Molecular consequence: missense variant.
Genome position (GRCh38, 1-based): chr17:31,330,447, C>T. VCF-style: chr17-31330447-C-T. GRCh37 (hg19) VCF-style: chr17-29657465-C-T.
Other names: c.5698C>T, p.His1900Tyr (NM_000267.4); short protein forms H1921Y, H1900Y.
Identifiers: ClinVar variation 3719909 (VCV003719909.2).